The following is an entry in ClinVar:

NM_000492.4(CFTR):c.1557C>G (p.Ser519Arg)

Genes: CFTR (CF transmembrane conductance regulator; plus strand), CFTR-AS1 (CFTR antisense RNA 1; minus strand). Cytogenetic location: 7q31.2.
Variant type: single nucleotide variant.
Coding change: c.1557C>G on transcript NM_000492.4 (MANE Select); coding-DNA position 1557, C replaced by G.
Protein change: p.Ser519Arg; replaces serine 519 with arginine.
Molecular consequence: missense variant.
Genome position (GRCh38, 1-based): chr7:117,559,628, C>G. VCF-style: chr7-117559628-C-G. GRCh37 (hg19) VCF-style: chr7-117199682-C-G.
Other names: short protein forms S519R.
Identifiers: ClinVar variation 1775173 (VCV001775173.2), dbSNP rs757736710, ClinGen allele CA368984903.

ClinVar aggregate classification (germline): Uncertain significance (1 of 4 stars; one submission).

Conditions:
Cystic fibrosis (CF). Also called: MUCOVISCIDOSIS. Identifiers: Orphanet 586, MedGen C0010674, MONDO:0009061, OMIM 219700. Disease mechanism: loss of function.

Submission:

Ambry Genetics
Classification: Uncertain significance for Cystic fibrosis. Last evaluated: 2021-09-13. Review status: criteria provided, single submitter. Criteria: Ambry Variant Classification Scheme 2023. Collection method: clinical testing. Allele origin: germline.
Comment: The p.S519R variant (also known as c.1557C>G), located in coding exon 11 of the CFTR gene, results from a C to G substitution at nucleotide position 1557. The serine at codon 519 is replaced by arginine, an amino acid with dissimilar properties. This amino acid position is conserved. In addition, this alteration is predicted to be deleterious by in silico analysis. Since supporting evidence is limited at this time, the clinical significance of this alteration remains unclear.